The following is an entry in ClinVar:

ClinVar aggregate classification (germline): Uncertain significance (1 of 4 stars; one submission).

Conditions:
Jeune thoracic dystrophy. Also called: Jeune syndrome; Infantile thoracic dystrophy; Thoracic pelvic phalangeal dystrophy; Jeune's syndrome; Chondroectodermal dysplasia-like syndrome; Short-rib thoracic dysplasia. Identifiers: Orphanet 474, MedGen C0265275, MONDO:0018770.
Nephronophthisis. Also called: Juvenile Nephronophthisis. Identifiers: Orphanet 655, MedGen C0687120, MONDO:0019005, HP:0000090.

Allele frequency attached by ClinVar (database versions not stated): gnomAD exomes 0.00001; TOPMed 0.00001; ESP Exome Variant Server 0.00008.
gnomAD v4.1: 9 of 1,614,068 alleles (0.00056%); highest among the groups gnomAD compares: Non-Finnish European, 0.00076%; no homozygotes.

Submission:

Labcorp Genetics (formerly Invitae), Labcorp
Classification: Uncertain significance for Jeune thoracic dystrophy; Nephronophthisis. Last evaluated: 2022-08-19. Review status: criteria provided, single submitter. Criteria: Invitae Variant Classification Sherloc (09022015). Collection method: clinical testing. Allele origin: germline.
Comment: This sequence change replaces alanine, which is neutral and non-polar, with threonine, which is neutral and polar, at codon 891 of the TTC21B protein (p.Ala891Thr). This variant is present in population databases (rs373305833, gnomAD 0.0009%). This variant has not been reported in the literature in individuals affected with TTC21B-related conditions. Algorithms developed to predict the effect of missense changes on protein structure and function (SIFT, PolyPhen-2, Align-GVGD) all suggest that this variant is likely to be disruptive. In summary, the available evidence is currently insufficient to determine the role of this variant in disease. Therefore, it has been classified as a Variant of Uncertain Significance.

NM_024753.5(TTC21B):c.2671G>A (p.Ala891Thr)

Gene: TTC21B (tetratricopeptide repeat domain 21B; minus strand). Cytogenetic location: 2q24.3.
Variant type: single nucleotide variant.
Coding change: c.2671G>A on transcript NM_024753.5 (MANE Select); coding-DNA position 2671, G replaced by A.
Protein change: p.Ala891Thr; replaces alanine 891 with threonine.
Molecular consequence: missense variant.
Genome position (GRCh38, 1-based): chr2:165,901,808, C>T on the plus strand (G>A on the coding strand, the complement: TTC21B is on the minus strand). VCF-style: chr2-165901808-C-T. GRCh37 (hg19) VCF-style: chr2-166758318-C-T.
Other names: short protein forms A891T.
Identifiers: ClinVar variation 2200490 (VCV002200490.1), dbSNP rs373305833, ClinGen allele CA59787641.